The following is an entry in ClinVar:

ClinVar aggregate classification (germline): Conflicting classifications of pathogenicity. Review status: criteria provided, conflicting classifications (1 of 4 stars). 5 submissions from 5 submitters: Uncertain significance (1); Likely benign (4). Last evaluated 2025-10-18.

Conditions:
Hyper-IgM syndrome type 3. Also called: Hyper-IgM Immunodeficiency Syndrome, Type 3. Identifiers: Orphanet 101090, MedGen C1720957, MONDO:0011735, OMIM 606843.

Allele frequency attached by ClinVar (database versions not stated): ExAC 0.00003; gnomAD exomes 0.00003; gnomAD 0.00006 and 0.00007; TOPMed 0.00008.
gnomAD v4.1: 57 of 1,613,998 alleles (0.0035%); highest among the groups gnomAD compares: East Asian, 0.047%; no homozygotes.

Submissions (5):

Labcorp Genetics (formerly Invitae), Labcorp
Classification: Likely benign. Last evaluated: 2025-10-18. Review status: criteria provided, single submitter. Criteria: Invitae Variant Classification Sherloc (09022015). Collection method: clinical testing. Allele origin: germline.

CeGaT Center for Human Genetics Tuebingen
Classification: Likely benign. Last evaluated: 2024-05-01. Review status: criteria provided, single submitter. Criteria: CeGaT Center For Human Genetics Tuebingen Variant Classification Criteria Version 2. Collection method: clinical testing. Allele origin: germline. Affected: yes. Observed: 1 variant allele.
Comment: CD40: BP4, BP7

Blueprint Genetics
Classification: Likely benign. Last evaluated: 2024-04-09. Review status: criteria provided, single submitter. Criteria: ACMG Guidelines, 2015. Collection method: clinical testing. Allele origin: germline.

Center for Genomics, Ann and Robert H. Lurie Children's Hospital of Chicago
Classification: Uncertain significance for Hyper-IgM syndrome type 3. Last evaluated: 2021-03-30. Review status: criteria provided, single submitter. Criteria: ACMG Guidelines, 2015. Collection method: clinical testing. Allele origin: germline.
Comment: CD40 NM_001250 exon 4 p.Pro127Pro (c.381C>T): This variant has not been reported in the literature but is present in 3/18864 East Asian alleles in the Genome Aggregation Database. Evolutionary conservation and computational predictive tools for this variant are limited or unavailable. Of note, this variant is a silent variant and does not change the amino acid, reducing the probability that this variant is disease causing. In summary, data on this variant is insufficient for disease classification. Therefore, the clinical significance of this variant is uncertain.

Women's Health and Genetics/Laboratory Corporation of America, LabCorp
Classification: Likely benign. Last evaluated: 2019-08-28. Review status: criteria provided, single submitter. Criteria: LabCorp Variant Classification Summary - May 2015. Collection method: clinical testing. Allele origin: germline.

NM_001250.6(CD40):c.381C>T (p.Pro127=)

Gene: CD40 (CD40 molecule; plus strand). Cytogenetic location: 20q13.12.
Variant type: single nucleotide variant.
Coding change: c.381C>T on transcript NM_001250.6 (MANE Select); coding-DNA position 381, C replaced by T.
Protein change: p.Pro127=; no amino-acid change (proline 127 retained).
Molecular consequence: synonymous variant. On other transcripts: non-coding transcript variant (2).
Genome position (GRCh38, 1-based): chr20:46,122,734, C>T. VCF-style: chr20-46122734-C-T. GRCh37 (hg19) VCF-style: chr20-44751373-C-T.
Other names: c.381C>T, p.Pro127= (NM_001302753.2, NM_001322421.2, NM_001322422.2 and 2 more transcripts).
Identifiers: ClinVar variation 496127 (VCV000496127.31), dbSNP rs763263083, ClinGen allele CA9888455.